The following is an entry in ClinVar:

NM_001080414.4(CCDC88C):c.1768A>G (p.Lys590Glu)

Gene: CCDC88C (coiled-coil domain containing 88C; minus strand). Cytogenetic location: 14q32.11.
Variant type: single nucleotide variant.
Coding change: c.1768A>G on transcript NM_001080414.4 (MANE Select); coding-DNA position 1768, A replaced by G.
Protein change: p.Lys590Glu; replaces lysine 590 with glutamic acid.
Molecular consequence: missense variant.
Genome position (GRCh38, 1-based): chr14:91,314,048, T>C on the plus strand (A>G on the coding strand, the complement: CCDC88C is on the minus strand). VCF-style: chr14-91314048-T-C. GRCh37 (hg19) VCF-style: chr14-91780392-T-C.
Other names: short protein forms K590E.
Identifiers: ClinVar variation 2229699 (VCV002229699.2), dbSNP rs1891980457, ClinGen allele CA390632990.

ClinVar aggregate classification (germline): Uncertain significance (1 of 4 stars; one submission).

Conditions:
Inborn genetic diseases. Identifiers: MedGen C0950123, MeSH D030342.

Allele frequency attached by ClinVar (database versions not stated): gnomAD 0.00001.
gnomAD v4.1: 2 of 1,613,622 alleles (0.00012%); highest among the groups gnomAD compares: African/African-American, 0.0027%; no homozygotes.

Submission:

Ambry Genetics
Classification: Uncertain significance for Inborn genetic diseases. Last evaluated: 2021-03-30. Review status: criteria provided, single submitter. Criteria: Ambry Variant Classification Scheme 2023. Collection method: clinical testing. Allele origin: germline.
Comment: The c.1768A>G (p.K590E) alteration is located in exon 15 (coding exon 15) of the CCDC88C gene. This alteration results from a A to G substitution at nucleotide position 1768, causing the lysine (K) at amino acid position 590 to be replaced by a glutamic acid (E). The p.K590E alteration is predicted to be tolerated by in silico analysis. Based on insufficient or conflicting evidence, the clinical significance of this alteration remains unclear.